The following is an entry in ClinVar:

ClinVar aggregate classification (germline): Uncertain significance. Review status: criteria provided, multiple submitters, no conflicts (2 of 4 stars). 3 submissions from 3 submitters: Uncertain significance (3). Last evaluated 2022-03-15.

Conditions:
Neurofibromatosis, type 1 (NF1). Also called: VON RECKLINGHAUSEN DISEASE; NEUROFIBROMATOSIS, TYPE I, SOMATIC; Peripheral type neurofibromatosis; Neurofibromatosis, type I. Identifiers: Orphanet 636, MedGen C0027831, MONDO:0018975, OMIM 162200. Disease mechanism: loss of function.

Submissions (3):

Genome-Nilou Lab
Classification: Uncertain significance for Neurofibromatosis, type 1. Last evaluated: 2022-03-15. Review status: criteria provided, single submitter. Criteria: ACMG Guidelines, 2015. Collection method: clinical testing. Allele origin: germline. Affected: no.

Labcorp Genetics (formerly Invitae), Labcorp
Classification: Uncertain significance for Neurofibromatosis, type 1. Last evaluated: 2021-02-11. Review status: criteria provided, single submitter. Criteria: Invitae Variant Classification Sherloc (09022015). Collection method: clinical testing. Allele origin: germline.
Comment: Advanced modeling of protein sequence and biophysical properties (such as structural, functional, and spatial information, amino acid conservation, physicochemical variation, residue mobility, and thermodynamic stability) performed at Invitae indicates that this missense variant is expected to disrupt NF1 protein function. In summary, the available evidence is currently insufficient to determine the role of this variant in disease. Therefore, it has been classified as a Variant of Uncertain Significance. This variant has not been reported in the literature in individuals with NF1-related conditions. ClinVar contains an entry for this variant (Variation ID: 618251). This variant is not present in population databases (ExAC no frequency). This sequence change replaces valine with glycine at codon 2424 of the NF1 protein (p.Val2424Gly). The valine residue is moderately conserved and there is a moderate physicochemical difference between valine and glycine.

ARUP Laboratories, Molecular Genetics and Genomics, ARUP Laboratories
Classification: Uncertain significance. Last evaluated: 2018-03-16. Review status: criteria provided, single submitter. Criteria: ARUP Molecular Germline Variant Investigation Process. Collection method: clinical testing. Allele origin: germline.
Comment: The NF1 c.7334T>G; p.Val2445Gly variant, to our knowledge, is not reported in the medical literature, in gene-specific databases, or in the ClinVar database. This variant is also absent from general population databases (1000 Genomes Project, Exome Variant Server, and Genome Aggregation Database), indicating it is not a common polymorphism. The valine at this position is highly conserved and computational algorithms (PolyPhen-2, SIFT) predict this variant is deleterious. Considering available information, there insufficient evidence to classify this variant with certainty.

NM_001042492.3(NF1):c.7334T>G (p.Val2445Gly)

Gene: NF1 (neurofibromin 1; plus strand). Cytogenetic location: 17q11.2.
Variant type: single nucleotide variant.
Coding change: c.7334T>G on transcript NM_001042492.3 (MANE Select); coding-DNA position 7334, T replaced by G.
Protein change: p.Val2445Gly; replaces valine 2445 with glycine.
Molecular consequence: missense variant.
Genome position (GRCh38, 1-based): chr17:31,350,195, T>G. VCF-style: chr17-31350195-T-G. GRCh37 (hg19) VCF-style: chr17-29677213-T-G.
Other names: c.7271T>G, p.Val2424Gly (NM_000267.4); short protein forms V2424G, V2445G.
Identifiers: ClinVar variation 618251 (VCV000618251.15), dbSNP rs1567623931, ClinGen allele CA399016970.